The following is an entry in ClinVar:

NM_006306.4(SMC1A):c.2506C>T (p.His836Tyr)

Gene: SMC1A (structural maintenance of chromosomes 1A; minus strand). Cytogenetic location: Xp11.22.
Variant type: single nucleotide variant.
Coding change: c.2506C>T on transcript NM_006306.4 (MANE Select); coding-DNA position 2506, C replaced by T.
Protein change: p.His836Tyr; replaces histidine 836 with tyrosine.
Molecular consequence: missense variant.
Genome position (GRCh38, 1-based): chrX:53,399,645, G>A on the plus strand (C>T on the coding strand, the complement: SMC1A is on the minus strand). VCF-style: chrX-53399645-G-A. GRCh37 (hg19) VCF-style: chrX-53426567-G-A.
Other names: c.2440C>T, p.His814Tyr (NM_001281463.1); short protein forms H814Y, H836Y.
Identifiers: ClinVar variation 1792314 (VCV001792314.2), dbSNP rs2520904675, ClinGen allele CA413250374.
Genomic context (GRCh38, chrX:53,399,645, plus strand): 5'-TTACCTTTTTGAGCTTTTCTATCTCATTTTCATCTTTTTTCACTGTCTGCTCCCACATGT[G>A]TACTTTATCTTGGTCCTCCTTCAGTTGGTTCTTTTCAAAATCCAACTGAATGCCCAAGCG-3'
Protein context (NP_006297.2, residues 826-846): NQLKEDQDKV[His836Tyr]MWEQTVKKDE

ClinVar aggregate classification (germline): Uncertain significance (1 of 4 stars; one submission).

Conditions:
Inborn genetic diseases. Identifiers: MedGen C0950123, MeSH D030342.

Allele frequency attached by ClinVar (database versions not stated): gnomAD exomes below 0.00001.
gnomAD v4.1: 1 of 1,206,382 alleles (0.000083%); highest among the groups gnomAD compares: Non-Finnish European, 0.00011%; no homozygotes.

Submission:

Ambry Genetics
Classification: Uncertain significance for Inborn genetic diseases. Last evaluated: 2017-07-26. Review status: criteria provided, single submitter. Criteria: Ambry Variant Classification Scheme 2023. Collection method: clinical testing. Allele origin: germline.
Comment: The p.H836Y variant (also known as c.2506C>T), located in coding exon 16 of the SMC1A gene, results from a C to T substitution at nucleotide position 2506. The histidine at codon 836 is replaced by tyrosine, an amino acid with similar properties. This amino acid position is well conserved in available vertebrate species. In addition, this alteration is predicted to be tolerated by in silico analysis. Since supporting evidence is limited at this time, the clinical significance of this alteration remains unclear.